The following is an entry in ClinVar:

NM_000784.4(CYP27A1):c.389T>C (p.Met130Thr)

Gene: CYP27A1 (cytochrome P450 family 27 subfamily A member 1; plus strand). Cytogenetic location: 2q35.
Variant type: single nucleotide variant.
Coding change: c.389T>C on transcript NM_000784.4 (MANE Select); coding-DNA position 389, T replaced by C.
Protein change: p.Met130Thr; replaces methionine 130 with threonine.
Molecular consequence: missense variant.
Genome position (GRCh38, 1-based): chr2:218,809,710, T>C. VCF-style: chr2-218809710-T-C. GRCh37 (hg19) VCF-style: chr2-219674433-T-C.
Other names: short protein forms M130T.
Identifiers: ClinVar variation 4800346 (VCV004800346.1).

ClinVar aggregate classification (germline): Uncertain significance (1 of 4 stars; one submission).

Conditions:
Cholestanol storage disease (CTX). Also called: Cerebrotendinous Xanthomatosis; CTX: Cerebrotendinous xanthomatosis; CEREBRAL CHOLESTERINOSIS. Identifiers: Orphanet 909, MedGen C0238052, MONDO:0008948, OMIM 213700.

Submission:

Labcorp Genetics (formerly Invitae), Labcorp
Classification: Uncertain significance for Cholestanol storage disease. Last evaluated: 2025-04-30. Review status: criteria provided, single submitter. Criteria: Invitae Variant Classification Sherloc (09022015). Collection method: clinical testing. Allele origin: germline.
Comment: This sequence change replaces methionine, which is neutral and non-polar, with threonine, which is neutral and polar, at codon 130 of the CYP27A1 protein (p.Met130Thr). This variant is not present in population databases (gnomAD no frequency). This variant has not been reported in the literature in individuals affected with CYP27A1-related conditions. Invitae Evidence Modeling of protein sequence and biophysical properties (such as structural, functional, and spatial information, amino acid conservation, physicochemical variation, residue mobility, and thermodynamic stability) indicates that this missense variant is expected to disrupt CYP27A1 protein function with a positive predictive value of 95%. In summary, the available evidence is currently insufficient to determine the role of this variant in disease. Therefore, it has been classified as a Variant of Uncertain Significance.